The following is an entry in ClinVar:

ClinVar aggregate classification (germline): Benign/Likely benign. Review status: criteria provided, multiple submitters, no conflicts (2 of 4 stars). 8 submissions from 8 submitters: Benign (5); Likely benign (3). Last evaluated 2026-02-04.

Conditions:
Cardiovascular phenotype. Identifiers: MedGen CN230736.
Brittle cornea syndrome 1 (BCS1). Also called: CORNEAL FRAGILITY, KERATOGLOBUS, BLUE SCLERAE, JOINT HYPEREXTENSIBILITY; EDS6B; FRAGILITAS OCULI WITH JOINT HYPEREXTENSIBILITY; DYSGENESIS MESODERMALIS CORNEAE ET SCLERAE; Corneal fragility keratoglobus, blue sclerae AND joint hypermobility. Identifiers: Orphanet 90354, MedGen C0268344, MONDO:0024543, OMIM 229200.

Allele frequency attached by ClinVar (database versions not stated): gnomAD exomes 0.05980 and 0.06037; ExAC 0.06474; 1000 Genomes Project 0.08566; gnomAD 0.09100 and 0.09442; 1000 Genomes Project 30x 0.09104; TOPMed 0.09948.
gnomAD v4.1: 97,777 of 1,550,084 alleles (6.3%); highest among the groups gnomAD compares: African/African-American, 18%; 3,621 homozygotes.

Submissions (8):

Labcorp Genetics (formerly Invitae), Labcorp
Classification: Benign. Last evaluated: 2026-02-04. Review status: criteria provided, single submitter. Criteria: Invitae Variant Classification Sherloc (09022015). Collection method: clinical testing. Allele origin: germline.

Blueprint Genetics
Classification: Likely benign. Last evaluated: 2024-11-27. Review status: criteria provided, single submitter. Criteria: ACMG Guidelines, 2015. Collection method: clinical testing. Allele origin: germline.

Mayo Clinic Laboratories, Mayo Clinic
Classification: Benign. Last evaluated: 2022-04-26. Review status: criteria provided, single submitter. Criteria: ACMG Guidelines, 2015. Collection method: clinical testing. Allele origin: germline. Observed: 376 variant alleles.

Genome-Nilou Lab
Classification: Benign for Brittle cornea syndrome 1. Last evaluated: 2021-12-05. Review status: criteria provided, single submitter. Criteria: ACMG Guidelines, 2015. Collection method: clinical testing. Allele origin: germline. Affected: no.

Women's Health and Genetics/Laboratory Corporation of America, LabCorp
Classification: Likely benign. Last evaluated: 2021-04-30. Review status: criteria provided, single submitter. Criteria: LabCorp Variant Classification Summary - May 2015. Collection method: clinical testing. Allele origin: germline.

Ambry Genetics
Classification: Benign for Cardiovascular phenotype. Last evaluated: 2018-12-04. Review status: criteria provided, single submitter. Criteria: Ambry Variant Classification Scheme 2023. Collection method: clinical testing. Allele origin: germline.

GeneDx
Classification: Benign. Last evaluated: 2016-10-10. Review status: criteria provided, single submitter. Criteria: GeneDx Variant Classification (06012015). Collection method: clinical testing. Allele origin: germline. Affected: yes.
Comment: This variant is considered likely benign or benign based on one or more of the following criteria: it is a conservative change, it occurs at a poorly conserved position in the protein, it is predicted to be benign by multiple in silico algorithms, and/or has population frequency not consistent with disease.

Breakthrough Genomics
Classification: Likely benign. Review status: criteria provided, single submitter. Criteria: ACMG Guidelines, 2015. Collection method: not provided. Allele origin: germline. Inheritance: Autosomal recessive inheritance. Affected: yes.

NM_001367624.2(ZNF469):c.6470G>A (p.Arg2157Lys)

Gene: ZNF469 (zinc finger protein 469; plus strand). Cytogenetic location: 16q24.2.
Variant type: single nucleotide variant.
Coding change: c.6470G>A on transcript NM_001367624.2 (MANE Select); coding-DNA position 6470, G replaced by A.
Protein change: p.Arg2157Lys; replaces arginine 2157 with lysine.
Molecular consequence: missense variant.
Genome position (GRCh38, 1-based): chr16:88,433,940, G>A. VCF-style: chr16-88433940-G-A. GRCh37 (hg19) VCF-style: chr16-88500348-G-A.
Other names: NM_001127464.1:c.6386G>A; p.Arg2157Lys; short protein forms R2157K.
Identifiers: ClinVar variation 320955 (VCV000320955.19), dbSNP rs13334190, ClinGen allele CA8225159.